The following is an entry in ClinVar:

ClinVar aggregate classification (germline): Uncertain significance (1 of 4 stars; one submission).

Conditions:
Early-infantile DEE. Also called: Early infantile epileptic encephalopathy; Ohtahara syndrome; Early infantile epileptic encephalopathy with suppression bursts. Identifiers: Orphanet 1934, MedGen C0393706, MONDO:0800491.

Allele frequency attached by ClinVar (database versions not stated): gnomAD exomes below 0.00001 and 0.00001; gnomAD 0.00001; 1000 Genomes Project 30x 0.00016; 1000 Genomes Project 0.00020.
gnomAD v4.1: 2 of 1,614,132 alleles (0.00012%); highest among the groups gnomAD compares: East Asian, 0.0022%; no homozygotes.

Submission:

Labcorp Genetics (formerly Invitae), Labcorp
Classification: Uncertain significance for Early-infantile DEE. Last evaluated: 2022-02-03. Review status: criteria provided, single submitter. Criteria: Invitae Variant Classification Sherloc (09022015). Collection method: clinical testing. Allele origin: germline.
Comment: In summary, the available evidence is currently insufficient to determine the role of this variant in disease. Therefore, it has been classified as a Variant of Uncertain Significance. Advanced modeling of protein sequence and biophysical properties (such as structural, functional, and spatial information, amino acid conservation, physicochemical variation, residue mobility, and thermodynamic stability) performed at Invitae indicates that this missense variant is not expected to disrupt KCNH5 protein function. ClinVar contains an entry for this variant (Variation ID: 658599). This variant has not been reported in the literature in individuals affected with KCNH5-related conditions. This variant is present in population databases (rs201820912, gnomAD 0.003%). This sequence change replaces arginine, which is basic and polar, with glutamine, which is neutral and polar, at codon 720 of the KCNH5 protein (p.Arg720Gln).

NM_139318.5(KCNH5):c.2159G>A (p.Arg720Gln)

Gene: KCNH5 (potassium voltage-gated channel subfamily H member 5; minus strand). Cytogenetic location: 14q23.2.
Variant type: single nucleotide variant.
Coding change: c.2159G>A on transcript NM_139318.5 (MANE Select); coding-DNA position 2159, G replaced by A.
Protein change: p.Arg720Gln; replaces arginine 720 with glutamine.
Molecular consequence: missense variant. On other transcripts: 3 prime UTR variant (1).
Genome position (GRCh38, 1-based): chr14:62,708,316, C>T on the plus strand (G>A on the coding strand, the complement: KCNH5 is on the minus strand). VCF-style: chr14-62708316-C-T. GRCh37 (hg19) VCF-style: chr14-63175034-C-T.
Other names: c.*126G>A (NM_172375.3); short protein forms R720Q.
Identifiers: ClinVar variation 658599 (VCV000658599.10), dbSNP rs201820912, ClinGen allele CA262376562.
Genomic context (GRCh38, chr14:62,708,316, plus strand): 5'-GAGCGGCTCTCTACCTGGAGTTGGTTCCTCTCAGGGTCACCCTGTGTTGAGCCCTGATTC[C>T]GCAGCTCCTTCTGCTGCTTGAACTTCTGGAAGAGCTTTCTGACTGGGTGGTCCACGGGAA-3'
Protein context (NP_647479.2, residues 710-730): FQKFKQQKEL[Arg720Gln]NQGSTQGDPE